The following is an entry in ClinVar:

ClinVar aggregate classification (germline): Uncertain significance (1 of 4 stars; one submission).

Conditions:
Inborn genetic diseases. Identifiers: MedGen C0950123, MeSH D030342.

Submission:

Ambry Genetics
Classification: Uncertain significance for Inborn genetic diseases. Last evaluated: 2025-07-25. Review status: criteria provided, single submitter. Criteria: Ambry Variant Classification Scheme 2023. Collection method: clinical testing. Allele origin: germline.
Comment: The c.340G>C (p.G114R) alteration is located in exon 4 (coding exon 4) of the PGK1 gene. This alteration results from a G to C substitution at nucleotide position 340, causing the glycine (G) at amino acid position 114 to be replaced by an arginine (R). This variant was not reported in population-based cohorts in the Genome Aggregation Database (gnomAD). This amino acid position is highly conserved in available vertebrate species. This alteration is predicted to be deleterious by in silico analysis. Based on insufficient or conflicting evidence, the clinical significance of this alteration remains unclear.

NM_000291.4(PGK1):c.340G>C (p.Gly114Arg)

Gene: PGK1 (phosphoglycerate kinase 1; plus strand). Cytogenetic location: Xq21.1.
Variant type: single nucleotide variant.
Coding change: c.340G>C on transcript NM_000291.4 (MANE Select); coding-DNA position 340, G replaced by C.
Protein change: p.Gly114Arg; replaces glycine 114 with arginine.
Molecular consequence: missense variant.
Genome position (GRCh38, 1-based): chrX:78,114,083, G>C. VCF-style: chrX-78114083-G-C. GRCh37 (hg19) VCF-style: chrX-77369580-G-C.
Other names: short protein forms G114R.
Identifiers: ClinVar variation 3305980 (VCV003305980.2).
Genomic context (GRCh38, chrX:78,114,083, plus strand): 5'-CTGTTCTTGAAGGACTGTGTAGGCCCAGAAGTGGAGAAAGCCTGTGCCAACCCAGCTGCT[G>C]GGTCTGTCATCCTGCTGGAGAACCTCCGCTTTCATGTGGAGGAAGAAGGGAAGGGAAAAG-3'
Protein context (NP_000282.1, residues 104-124): VEKACANPAA[Gly114Arg]SVILLENLRF